The following is an entry in ClinVar:

ClinVar aggregate classification (germline): Likely benign. Review status: criteria provided, single submitter (1 of 4 stars). 2 submissions from 2 submitters: Likely benign (1). 1 of the submissions does not count toward it. Last evaluated 2025-10-31.

Conditions:
GRIP1-related disorder. Also called: GRIP1-related condition.

Allele frequency attached by ClinVar (database versions not stated): gnomAD exomes below 0.00001.
gnomAD v4.1: 5 of 1,613,882 alleles (0.00031%); highest among the groups gnomAD compares: Non-Finnish European, 0.00034%; no homozygotes.

Submissions (2):

Labcorp Genetics (formerly Invitae), Labcorp
Classification: Likely benign. Last evaluated: 2025-10-31. Review status: criteria provided, single submitter. Criteria: Invitae Variant Classification Sherloc (09022015). Collection method: clinical testing. Allele origin: germline.

PreventionGenetics, part of Exact Sciences
Classification: Likely benign for GRIP1-related condition. Last evaluated: 2024-07-01. Review status: no assertion criteria provided. Collection method: clinical testing. Allele origin: germline. Not counted in ClinVar's aggregate classification.
Comment: This variant is classified as likely benign based on ACMG/AMP sequence variant interpretation guidelines (Richards et al. 2015 PMID: 25741868, with internal and published modifications).

NM_001366722.1(GRIP1):c.3045C>T (p.Asp1015=)

Gene: GRIP1 (glutamate receptor interacting protein 1; minus strand). Cytogenetic location: 12q14.3.
Variant type: single nucleotide variant.
Coding change: c.3045C>T on transcript NM_001366722.1 (MANE Select); coding-DNA position 3045, C replaced by T.
Protein change: p.Asp1015=; no amino-acid change (aspartic acid 1015 retained).
Molecular consequence: synonymous variant.
Genome position (GRCh38, 1-based): chr12:66,353,531, G>A on the plus strand (C>T on the coding strand, the complement: GRIP1 is on the minus strand). VCF-style: chr12-66353531-G-A. GRCh37 (hg19) VCF-style: chr12-66747311-G-A.
Other names: c.2844C>T, p.Asp948= (NM_001178074.2, NM_001379351.1); c.2964C>T, p.Asp988= (NM_001366723.1); c.2967C>T, p.Asp989= (NM_001366724.1); c.3123C>T, p.Asp1041= (NM_001379345.1); c.3000C>T, p.Asp1000= (NM_001379346.1); c.2922C>T, p.Asp974= (NM_001379347.1); c.2919C>T, p.Asp973= (NM_001379348.1); c.2892C>T, p.Asp964= (NM_001379349.1); and 2 more.
Identifiers: ClinVar variation 3016036 (VCV003016036.4), dbSNP rs2054335071, ClinGen allele CA480572271.
Genomic context (GRCh38, chr12:66,353,531, plus strand): 5'-GCGAATATTTTTGACATACACTCCTTTCTCCAGTAAGCCATCTGCTACACTGAACCCAAA[G>A]TCCTCCATGTCAGAGTCCTTGTACAAGGTCACCTGAAGAGAGAAAATGGGATGTGAATAT-3'
Protein context (NP_001353651.1, residues 1005-1025): VTLYKDSDME[Asp1015=]FGFSVADGLL